The following is an entry in ClinVar:

NM_004643.4(PABPN1):c.35G>C (p.Gly12Ala)

Genes: PABPN1 (poly(A) binding protein nuclear 1; plus strand), BCL2L2-PABPN1 (BCL2L2-PABPN1 readthrough; plus strand). Cytogenetic location: 14q11.2.
Variant type: single nucleotide variant.
Coding change: c.35G>C on transcript NM_004643.4 (MANE Select); coding-DNA position 35, G replaced by C.
Protein change: p.Gly12Ala; replaces glycine 12 with alanine.
Molecular consequence: missense variant. On other transcripts: intron variant (8).
Genome position (GRCh38, 1-based): chr14:23,321,504, G>C. VCF-style: chr14-23321504-G-C. GRCh37 (hg19) VCF-style: chr14-23790713-G-C.
Other names: c.35G>C, p.Gly12Ala (NM_001360551.3); c.529-677G>C (NM_001387343.1, NM_001387342.1, NM_001387344.1 and 1 more transcripts); c.433-677G>C (NM_001387345.1, NM_001387346.1, NM_001199864.3); c.550-677G>C (NM_001387340.1); short protein forms G12A.
Identifiers: ClinVar variation 7368 (VCV000007368.9), dbSNP rs104894466, ClinGen allele CA254158.

ClinVar aggregate classification (germline): Conflicting classifications of pathogenicity. Review status: criteria provided, conflicting classifications (1 of 4 stars). 4 submissions from 4 submitters: Pathogenic (1); Uncertain significance (1). 2 of the submissions do not count toward it. Last evaluated 2021-10-15.

Conditions:
PABPN1-related disorders.
Oculopharyngeal muscular dystrophy 1 (OPMD1). Identifiers: MedGen CN376802, MONDO:0958176, OMIM 164300.
PABPN1-related disorder. Also called: PABPN1-related condition.

Submissions (4):

Blueprint Genetics
Classification: Pathogenic for PABPN1-related disorders. Last evaluated: 2021-10-15. Review status: criteria provided, single submitter. Criteria: ACMG Guidelines, 2015. Collection method: clinical testing. Allele origin: germline. Affected: yes. Observed: 1 variant allele.

Revvity Omics, Revvity
Classification: Uncertain significance for Oculopharyngeal muscular dystrophy 1. Last evaluated: 2021-07-22. Review status: criteria provided, single submitter. Criteria: ACMG Guidelines, 2015. Collection method: clinical testing. Allele origin: germline.

PreventionGenetics, part of Exact Sciences
Classification: Likely pathogenic for PABPN1-related condition. Last evaluated: 2023-12-18. Review status: no assertion criteria provided. Collection method: clinical testing. Allele origin: germline. Not counted in ClinVar's aggregate classification.
Comment: The PABPN1 c.35G>C variant is predicted to result in the amino acid substitution p.Gly12Ala. This variant has been reported in multiple unrelated individuals with oculopharyngeal muscular dystrophy (OPMD) who had family histories that included additional affected individuals, although none were available for confirmatory DNA testing (Robinson et al. 2006. PubMed ID: 16648376; Robinson et al. 2011. PubMed ID: 21742497; Nishii et al. 2021. PubMed ID: 34225694). This variant results in the substitution of a glycine to an alanine at codon 12, producing a run of 13 alanine amino acids, which mimic the effect of the common expansion mutation (Robinson et al. 2006. PubMed ID: 16648376). This variant has not been reported in a large population database, indicating this variant is rare. This variant is interpreted as likely pathogenic.

OMIM
Classification: Pathogenic for OCULOPHARYNGEAL MUSCULAR DYSTROPHY 1. Last evaluated: 2006-05-01. Review status: no assertion criteria provided. Collection method: literature only. Allele origin: germline. Not counted in ClinVar's aggregate classification.

Literature cited by the submitters: PubMed 16648376 (cited by OMIM).